The following is an entry in ClinVar:

NM_012310.5(KIF4A):c.688A>G (p.Ser230Gly)

Gene: KIF4A (kinesin family member 4A; plus strand). Cytogenetic location: Xq13.1.
Variant type: single nucleotide variant.
Coding change: c.688A>G on transcript NM_012310.5 (MANE Select); coding-DNA position 688, A replaced by G.
Protein change: p.Ser230Gly; replaces serine 230 with glycine.
Molecular consequence: missense variant.
Genome position (GRCh38, 1-based): chrX:70,302,308, A>G. VCF-style: chrX-70302308-A-G. GRCh37 (hg19) VCF-style: chrX-69522158-A-G.
Other names: short protein forms S230G.
Identifiers: ClinVar variation 4092838 (VCV004092838.3).

ClinVar aggregate classification (germline): Conflicting classifications of pathogenicity. Review status: criteria provided, conflicting classifications (1 of 4 stars). 2 submissions from 2 submitters: Uncertain significance (1); Likely benign (1). Last evaluated 2026-04-01.

gnomAD v4.1: 14 of 1,209,011 alleles (0.0012%); highest among the groups gnomAD compares: Non-Finnish European, 0.0016%; no homozygotes.

Submissions (2):

CeGaT Center for Human Genetics Tuebingen
Classification: Likely benign. Last evaluated: 2026-04-01. Review status: criteria provided, single submitter. Criteria: CeGaT Center For Human Genetics Tuebingen Variant Classification Criteria Version 2. Collection method: clinical testing. Allele origin: germline. Affected: yes. Observed: 1 variant allele.
Comment: KIF4A: PP2, BP4, BS2

Ambry Genetics
Classification: Uncertain significance. Last evaluated: 2025-07-15. Review status: criteria provided, single submitter. Criteria: Ambry Variant Classification Scheme 2023. Collection method: clinical testing. Allele origin: germline.